The following is an entry in ClinVar:

ClinVar aggregate classification (germline): Likely benign. Review status: criteria provided, single submitter (1 of 4 stars). 2 submissions from 2 submitters: Likely benign (1). 1 of the submissions does not count toward it. Last evaluated 2024-12-16.

Conditions:
Frontotemporal dementia and/or amyotrophic lateral sclerosis 1 (FTDALS1). Also called: Frontotemporal dementia with motor neuron disease 1; C9orf72 Frontotemporal Dementia and/or Amyotrophic Lateral Sclerosis. Identifiers: Orphanet 275872, MedGen C5779877, MONDO:0007105, OMIM 105550.
Paget disease of bone 2, early-onset (PDB2). Also called: Paget disease of bone 2. Identifiers: MedGen C4085251, MONDO:0011183, OMIM 602080.
SQSTM1-related disorder. Also called: SQSTM1-Related Disorders.

Allele frequency attached by ClinVar (database versions not stated): gnomAD 0.00001; ExAC 0.00003.
gnomAD v4.1: 23 of 1,613,674 alleles (0.0014%); highest among the groups gnomAD compares: Non-Finnish European, 0.0018%; no homozygotes.

Submissions (2):

Labcorp Genetics (formerly Invitae), Labcorp
Classification: Likely benign for Paget disease of bone 2, early-onset; Frontotemporal dementia and/or amyotrophic lateral sclerosis 1. Last evaluated: 2024-12-16. Review status: criteria provided, single submitter. Criteria: Invitae Variant Classification Sherloc (09022015). Collection method: clinical testing. Allele origin: germline.

PreventionGenetics, part of Exact Sciences
Classification: Likely benign for SQSTM1-related condition. Last evaluated: 2023-10-11. Review status: no assertion criteria provided. Collection method: clinical testing. Allele origin: germline. Not counted in ClinVar's aggregate classification.
Comment: This variant is classified as likely benign based on ACMG/AMP sequence variant interpretation guidelines (Richards et al. 2015 PMID: 25741868, with internal and published modifications).

NM_003900.5(SQSTM1):c.532-7C>T

Gene: SQSTM1 (sequestosome 1; plus strand). Cytogenetic location: 5q35.3.
Variant type: single nucleotide variant.
Coding change: c.532-7C>T on transcript NM_003900.5 (MANE Select); 7 bases into the intron before coding-DNA position 532, C replaced by T.
Molecular consequence: intron variant.
Genome position (GRCh38, 1-based): chr5:179,824,175, C>T. VCF-style: chr5-179824175-C-T. GRCh37 (hg19) VCF-style: chr5-179251175-C-T.
Other names: c.280-7C>T (NM_001142298.2, NM_001142299.2).
Identifiers: ClinVar variation 765725 (VCV000765725.10), dbSNP rs770329828, ClinGen allele CA3600556.
Genomic context (GRCh38, chr5:179,824,175, plus strand): 5'-GGTGGGCTCAGGGTGGCAGGAACCTTGACCCGCTCACTGCCTGCCGCTCTGCTAATTCCT[C>T]CCCCAGGGCTTCTCGCACAGCCGCTGGCTCCGGAAGGTGAAACACGGACACTTCGGGTGG-3'